The following is an entry in ClinVar:

NM_001083619.3(GRIA2):c.1849C>T (p.Leu617Phe)

Gene: GRIA2 (glutamate ionotropic receptor AMPA type subunit 2; plus strand). Cytogenetic location: 4q32.1.
Variant type: single nucleotide variant.
Coding change: c.1849C>T on transcript NM_001083619.3 (MANE Select); coding-DNA position 1849, C replaced by T.
Protein change: p.Leu617Phe; replaces leucine 617 with phenylalanine.
Molecular consequence: missense variant.
Genome position (GRCh38, 1-based): chr4:157,341,268, C>T. VCF-style: chr4-157341268-C-T. GRCh37 (hg19) VCF-style: chr4-158262420-C-T.
Other names: c.1849C>T, p.Leu617Phe (NM_000826.6); c.1708C>T, p.Leu570Phe (NM_001083620.3, NM_001379000.3, NM_001379001.3); short protein forms L570F, L617F.
Identifiers: ClinVar variation 2572220 (VCV002572220.1), dbSNP rs1350255868, ClinGen allele CA358648753.

ClinVar aggregate classification (germline): Uncertain significance (1 of 4 stars; one submission).

Submission:

Greenwood Genetic Center Diagnostic Laboratories, Greenwood Genetic Center
Classification: Uncertain significance. Last evaluated: 2023-05-15. Review status: criteria provided, single submitter. Criteria: ACMG Guidelines, 2015. Collection method: clinical testing. Allele origin: germline. Affected: yes.
Comment: PM2, PP2